The following is an entry in ClinVar:

ClinVar aggregate classification (germline): Conflicting classifications of pathogenicity. Review status: criteria provided, conflicting classifications (1 of 4 stars). 9 submissions from 9 submitters: Uncertain significance (6); Likely benign (2). 1 of the submissions does not count toward it. Last evaluated 2026-06-05.

Conditions:
BRCA2-related cancer predisposition. Identifiers: MedGen CN377758, MONDO:0700269.
Hereditary cancer-predisposing syndrome. Also called: Neoplastic Syndromes, Hereditary; Tumor predisposition; Hereditary neoplastic syndrome; Hereditary Cancer Syndrome. Identifiers: Orphanet 140162, MedGen C0027672, MeSH D009386, MONDO:0015356.
Hereditary breast ovarian cancer syndrome. Also called: Hereditary breast and ovarian cancer syndrome (HBOC); Hereditary breast and ovarian cancer syndrome; Breast and ovarian cancer; Hereditary breast and ovarian cancer; Hereditary breast and/or ovarian cancer syndrome; BRCA1- and BRCA2-Associated Hereditary Breast and Ovarian Cancer. Identifiers: Orphanet 145, MedGen C0677776, MeSH D061325, MONDO:0003582. Disease mechanism: loss of function.
Breast-ovarian cancer, familial, susceptibility to, 2 (BROVCA2). Also called: BRCA2 Hereditary Breast and Ovarian Cancer. Identifiers: Orphanet 145, MedGen C2675520, MONDO:0012933, OMIM 612555. Disease mechanism: loss of function.

gnomAD v4.1: 5 of 1,592,062 alleles (0.00031%); highest among the groups gnomAD compares: Admixed American, 0.0092%; no homozygotes.

Submissions (9):

Women's Health and Genetics/Laboratory Corporation of America, LabCorp
Classification: Uncertain significance. Last evaluated: 2026-06-05. Review status: criteria provided, single submitter. Criteria: LabCorp Variant Classification Summary - May 2015. Collection method: clinical testing. Allele origin: germline.
Comment: Variant summary: BRCA2 c.971G>A (p.Arg324Lys) results in a conservative amino acid change in the encoded protein sequence. Algorithms developed to predict the effect of missense changes on protein structure and function all suggest that this variant is likely to be tolerated. The variant allele was found at a frequency of 1.7e-05 in 232690 control chromosomes. The available data on variant occurrences in the general population are insufficient to allow any conclusion about variant significance. c.971G>A has been observed in at least one individual affected with breast cancer (Tung_2015). This report does not provide unequivocal conclusions about association of the variant with disease. To our knowledge, no experimental evidence demonstrating an impact on protein function has been reported. The following publication has been ascertained in the context of this evaluation (PMID: 25186627). ClinVar contains an entry for this variant (Variation ID: 141234). Based on the evidence outlined above, the variant was classified as uncertain significance.

Labcorp Genetics (formerly Invitae), Labcorp
Classification: Uncertain significance for Hereditary breast ovarian cancer syndrome. Last evaluated: 2026-01-25. Review status: criteria provided, single submitter. Criteria: Invitae Variant Classification Sherloc (09022015). Collection method: clinical testing. Allele origin: germline.
Comment: This sequence change replaces arginine, which is basic and polar, with lysine, which is basic and polar, at codon 324 of the BRCA2 protein (p.Arg324Lys). This variant is present in population databases (rs397507435, gnomAD 0.01%). This missense change has been observed in individual(s) with breast cancer (PMID: 25186627). ClinVar contains an entry for this variant (Variation ID: 141234). Invitae Evidence Modeling of protein sequence and biophysical properties (such as structural, functional, and spatial information, amino acid conservation, physicochemical variation, residue mobility, and thermodynamic stability) indicates that this missense variant is not expected to disrupt BRCA2 protein function with a negative predictive value of 95%. In summary, the available evidence is currently insufficient to determine the role of this variant in disease. Therefore, it has been classified as a Variant of Uncertain Significance.

Color Diagnostics, LLC DBA Color Health
Classification: Uncertain significance for Hereditary cancer-predisposing syndrome. Last evaluated: 2025-08-27. Review status: criteria provided, single submitter. Criteria: ACMG Guidelines, 2015. Collection method: clinical testing. Allele origin: germline.
Comment: This missense variant replaces arginine with lysine at codon 324 of the BRCA2 protein. Computational prediction suggests that this variant may not impact protein structure and function. To our knowledge, functional studies have not been reported for this variant. This variant has been reported in an individual affected with breast cancer (PMID: 25186627). This variant has been identified in 4/232690 chromosomes in the general population by the Genome Aggregation Database (gnomAD). The available evidence is insufficient to determine the role of this variant in disease conclusively. Therefore, this variant is classified as a Variant of Uncertain Significance.

Quest Diagnostics Nichols Institute San Juan Capistrano
Classification: Uncertain significance. Last evaluated: 2024-10-25. Review status: criteria provided, single submitter. Criteria: Quest Diagnostics criteria. Collection method: clinical testing. Allele origin: unknown.
Comment: The BRCA2 c.971G>A (p.Arg324Lys) variant has been reported in the published literature in an individual with breast cancer (PMID: 25186627 (2015)), and described to be located in a region of the BRCA2 gene that is tolerant to missense sequence changes (PMID: 31911673 (2020)). The frequency of this variant in the general population, 0.00013 (4/29668 chromosomes (Genome Aggregation Database)), is uninformative in the assessment of its pathogenicity. Analysis of this variant using bioinformatics tools for the prediction of the effect of amino acid changes on protein structure and function yielded predictions that this variant is benign. Based on the available information, we are unable to determine the clinical significance of this variant.

All of Us Research Program, National Institutes of Health
Classification: Uncertain significance for BRCA2-related cancer predisposition. Last evaluated: 2024-05-09. Review status: criteria provided, single submitter. Criteria: ACMG Guidelines, 2015. Collection method: clinical testing. Allele origin: germline. Inheritance: Autosomal dominant inheritance. Observed: 4 variant alleles, 4 heterozygotes.
Comment: This missense variant replaces arginine with lysine at codon 324 of the BRCA2 protein. Computational prediction suggests that this variant may not impact protein structure and function (internally defined REVEL score threshold <= 0.5, PMID: 27666373). To our knowledge, functional studies have not been reported for this variant. This variant has been reported in an individual affected with breast cancer (PMID: 25186627). This variant has been identified in 4/232690 chromosomes in the general population by the Genome Aggregation Database (gnomAD). The available evidence is insufficient to determine the role of this variant in disease conclusively. Therefore, this variant is classified as a Variant of Uncertain Significance.

This study involves interpretation of variants in research participants for the purpose of population health screening. Participant phenotype was not available at the time of variant classification. Additional details can be found in publication PMID: 35346344, PMCID: PMC8962531

University of Washington Department of Laboratory Medicine, University of Washington
Classification: Likely benign for Hereditary cancer-predisposing syndrome. Last evaluated: 2023-03-23. Review status: criteria provided, single submitter. Criteria: Dines et al. (Genet Med. 2020). Collection method: curation. Allele origin: germline.
Comment: Missense variant in a coldspot region where missense variants are very unlikely to be pathogenic (PMID:31911673).

BRCA2 exon 10 coldspot. Reclassification based on statistical prior probability.

GeneDx
Classification: Uncertain significance. Last evaluated: 2022-08-15. Review status: criteria provided, single submitter. Criteria: GeneDx Variant Classification Process June 2021. Collection method: clinical testing. Allele origin: germline. Affected: yes.
Comment: Not observed at significant frequency in large population cohorts (gnomAD); In silico analysis supports that this missense variant does not alter protein structure/function; Observed in an individual with breast cancer (Tung et al., 2015); Also known as 1199G>A; This variant is associated with the following publications: (PMID: 26343386, 29884841, 29618726, 28569743, 25186627, 32377563)

Ambry Genetics
Classification: Likely benign for Hereditary cancer-predisposing syndrome. Last evaluated: 2019-01-16. Review status: criteria provided, single submitter. Criteria: Ambry Variant Classification Scheme 2023. Collection method: clinical testing. Allele origin: germline.

Counsyl
Classification: Uncertain significance for Breast-ovarian cancer, familial, susceptibility to, 2. Last evaluated: 2016-07-12. Review status: no assertion criteria provided. Collection method: clinical testing. Allele origin: unknown. Not counted in ClinVar's aggregate classification.

Literature cited by the submitters: PubMed 25186627 (cited by 6 submitters); PubMed 31911673 (cited by Quest Diagnostics Nichols Institute San Juan Capistrano).

NM_000059.4(BRCA2):c.971G>A (p.Arg324Lys)

Gene: BRCA2 (BRCA2 DNA repair associated; plus strand). Cytogenetic location: 13q13.1.
Variant type: single nucleotide variant.
Coding change: c.971G>A on transcript NM_000059.4 (MANE Select); coding-DNA position 971, G replaced by A.
Protein change: p.Arg324Lys; replaces arginine 324 with lysine.
Molecular consequence: missense variant.
Genome position (GRCh38, 1-based): chr13:32,332,449, G>A. VCF-style: chr13-32332449-G-A. GRCh37 (hg19) VCF-style: chr13-32906586-G-A.
Other names: short protein forms R324K.
Identifiers: ClinVar variation 141234 (VCV000141234.37), dbSNP rs397507435, ClinGen allele CA026280.